The following is an entry in ClinVar:

NM_031935.3(HMCN1):c.5066G>A (p.Arg1689His)

Gene: HMCN1 (hemicentin 1; plus strand). Cytogenetic location: 1q31.1.
Variant type: single nucleotide variant.
Coding change: c.5066G>A on transcript NM_031935.3 (MANE Select); coding-DNA position 5066, G replaced by A.
Protein change: p.Arg1689His; replaces arginine 1689 with histidine.
Molecular consequence: missense variant.
Genome position (GRCh38, 1-based): chr1:186,016,114, G>A. VCF-style: chr1-186016114-G-A. GRCh37 (hg19) VCF-style: chr1-185985246-G-A.
Other names: short protein forms R1689H.
Identifiers: ClinVar variation 2062895 (VCV002062895.4), dbSNP rs761113225, ClinGen allele CA1292171.

ClinVar aggregate classification (germline): Uncertain significance (1 of 4 stars; one submission).

gnomAD v4.1: 39 of 1,613,390 alleles (0.0024%); highest among the groups gnomAD compares: Middle Eastern, 0.017%; no homozygotes.

Submission:

Labcorp Genetics (formerly Invitae), Labcorp
Classification: Uncertain significance. Last evaluated: 2022-08-23. Review status: criteria provided, single submitter. Criteria: Invitae Variant Classification Sherloc (09022015). Collection method: clinical testing. Allele origin: germline.
Comment: In summary, the available evidence is currently insufficient to determine the role of this variant in disease. Therefore, it has been classified as a Variant of Uncertain Significance. Algorithms developed to predict the effect of missense changes on protein structure and function output the following: SIFT: "Tolerated"; PolyPhen-2: "Benign"; Align-GVGD: "Class C0". The histidine amino acid residue is found in multiple mammalian species, which suggests that this missense change does not adversely affect protein function. This variant has not been reported in the literature in individuals affected with HMCN1-related conditions. This variant is present in population databases (rs761113225, gnomAD 0.004%). This sequence change replaces arginine, which is basic and polar, with histidine, which is basic and polar, at codon 1689 of the HMCN1 protein (p.Arg1689His).